The following is an entry in ClinVar:

ClinVar aggregate classification (germline): Pathogenic (1 of 4 stars; one submission).

Submission:

Labcorp Genetics (formerly Invitae), Labcorp
Classification: Pathogenic. Last evaluated: 2021-05-03. Review status: criteria provided, single submitter. Criteria: Invitae Variant Classification Sherloc (09022015). Collection method: clinical testing. Allele origin: germline.
Comment: For these reasons, this variant has been classified as Pathogenic. This variant has not been reported in the literature in individuals with FOXF1-related conditions. This variant is not present in population databases (ExAC no frequency). This sequence change creates a premature translational stop signal (p.Ala41Glyfs*254) in the FOXF1 gene. It is expected to result in an absent or disrupted protein product. Loss-of-function variants in FOXF1 are known to be pathogenic (PMID: 19500772, 23505205).

Literature cited by the submitters: PubMed 19500772; PubMed 23505205.

NM_001451.3(FOXF1):c.121dup (p.Ala41fs)

Gene: FOXF1 (forkhead box F1; plus strand). Cytogenetic location: 16q24.1.
Variant type: Duplication.
Coding change: c.121dup on transcript NM_001451.3 (MANE Select); coding-DNA position 121, one base duplicated (G; older notation c.121dupG).
Protein change: p.Ala41fs; shifts the reading frame from alanine 41.
Molecular consequence: frameshift variant.
Genome position (GRCh38, 1-based): chr16:86,510,690, G duplicated. VCF-style (leftmost placement, unchanged base first): chr16-86510689-C-CG. GRCh37 (hg19) VCF-style: chr16-86544295-C-CG.
Other names: short protein forms A41fs.
Identifiers: ClinVar variation 1448136 (VCV001448136.6), dbSNP rs2143184326, ClinGen allele CA2573152730.
Genomic context (GRCh38, chr16:86,510,689, plus strand): 5'-GGGAGGCGGCGCGGCCATGGACCCCGCGTCGTCCGGCCCGTCCAAGGCCAAGAAGACCAA[C>CG]GCCGGCATCCGGCGCCCGGAGAAGCCGCCCTATTCCTACATCGCGCTCATCGTCATGGCC-3'